The following is an entry in ClinVar:

NM_000059.4(BRCA2):c.3397C>T (p.Pro1133Ser)

Gene: BRCA2 (BRCA2 DNA repair associated; plus strand). Cytogenetic location: 13q13.1.
Variant type: single nucleotide variant.
Coding change: c.3397C>T on transcript NM_000059.4 (MANE Select); coding-DNA position 3397, C replaced by T.
Protein change: p.Pro1133Ser; replaces proline 1133 with serine.
Molecular consequence: missense variant.
Genome position (GRCh38, 1-based): chr13:32,337,752, C>T. VCF-style: chr13-32337752-C-T. GRCh37 (hg19) VCF-style: chr13-32911889-C-T.
Other names: short protein forms P1133S.
Identifiers: ClinVar variation 185755 (VCV000185755.22), dbSNP rs786202430, ClinGen allele CA017933.
Genomic context (GRCh38, chr13:32,337,752, plus strand): 5'-GAACTTTCTACTATATTAGAAGAATCAGGAAGTCAGTTTGAATTTACTCAGTTTAGAAAA[C>T]CAAGCTACATATTGCAGAAGAGTACATTTGAAGTGCCTGAAAACCAGATGACTATCTTAA-3'
Protein context (NP_000050.3, residues 1123-1143): SQFEFTQFRK[Pro1133Ser]SYILQKSTFE

ClinVar aggregate classification (germline): Conflicting classifications of pathogenicity. Review status: criteria provided, conflicting classifications (1 of 4 stars). 6 submissions from 6 submitters: Uncertain significance (5); Likely benign (1). Last evaluated 2025-06-10.

Conditions:
Hereditary cancer-predisposing syndrome. Also called: Hereditary Cancer Syndrome; Neoplastic Syndromes, Hereditary; Tumor predisposition; Hereditary neoplastic syndrome. Identifiers: Orphanet 140162, MedGen C0027672, MeSH D009386, MONDO:0015356.
Hereditary breast ovarian cancer syndrome. Also called: Hereditary breast and ovarian cancer; Hereditary breast and ovarian cancer syndrome; Breast and ovarian cancer; Hereditary breast and ovarian cancer syndrome (HBOC); Hereditary breast and/or ovarian cancer syndrome; BRCA1- and BRCA2-Associated Hereditary Breast and Ovarian Cancer. Identifiers: Orphanet 145, MedGen C0677776, MeSH D061325, MONDO:0003582. Disease mechanism: loss of function.
Breast-ovarian cancer, familial, susceptibility to, 2 (BROVCA2). Also called: BRCA2 Hereditary Breast and Ovarian Cancer. Identifiers: Orphanet 145, MedGen C2675520, MONDO:0012933, OMIM 612555. Disease mechanism: loss of function.

Allele frequency attached by ClinVar (database versions not stated): TOPMed 0.00001.
gnomAD v4.1: 1 of 1,613,800 alleles (0.000062%); no homozygotes.

Submissions (6):

Labcorp Genetics (formerly Invitae), Labcorp
Classification: Uncertain significance for Hereditary breast ovarian cancer syndrome. Last evaluated: 2025-06-10. Review status: criteria provided, single submitter. Criteria: Invitae Variant Classification Sherloc (09022015). Collection method: clinical testing. Allele origin: germline.
Comment: This sequence change replaces proline, which is neutral and non-polar, with serine, which is neutral and polar, at codon 1133 of the BRCA2 protein (p.Pro1133Ser). This variant is not present in population databases (gnomAD no frequency). This variant has not been reported in the literature in individuals affected with BRCA2-related conditions. ClinVar contains an entry for this variant (Variation ID: 185755). Invitae Evidence Modeling of protein sequence and biophysical properties (such as structural, functional, and spatial information, amino acid conservation, physicochemical variation, residue mobility, and thermodynamic stability) indicates that this missense variant is not expected to disrupt BRCA2 protein function with a negative predictive value of 95%. In summary, the available evidence is currently insufficient to determine the role of this variant in disease. Therefore, it has been classified as a Variant of Uncertain Significance.

Ambry Genetics
Classification: Uncertain significance for Hereditary cancer-predisposing syndrome. Last evaluated: 2024-12-02. Review status: criteria provided, single submitter. Criteria: Ambry Variant Classification Scheme 2023. Collection method: clinical testing. Allele origin: germline.
Comment: The p.P1133S variant (also known as c.3397C>T), located in coding exon 10 of the BRCA2 gene, results from a C to T substitution at nucleotide position 3397. The proline at codon 1133 is replaced by serine, an amino acid with similar properties. This amino acid position is not well conserved in available vertebrate species. In addition, this alteration is predicted to be tolerated by in silico analysis. Based on the available evidence, the clinical significance of this variant remains unclear.

Quest Diagnostics Nichols Institute San Juan Capistrano
Classification: Uncertain significance. Last evaluated: 2024-08-13. Review status: criteria provided, single submitter. Criteria: Quest Diagnostics criteria. Collection method: clinical testing. Allele origin: unknown.
Comment: The BRCA2 c.3397C>T (p.Pro1133Ser) variant has been reported in the published literature in an individual with a personal or family history of breast cancer (PMID: 31851867 (2020)), and described to be located in a region of the BRCA2 gene that is tolerant to missense sequence changes (PMID: 31911673 (2020)). This variant has not been reported in large, multi-ethnic general populations (Genome Aggregation Database). Analysis of this variant using bioinformatics tools for the prediction of the effect of amino acid changes on protein structure and function yielded predictions that this variant is benign. Based on the available information, we are unable to determine the clinical significance of this variant.

GeneDx
Classification: Uncertain significance. Last evaluated: 2023-09-06. Review status: criteria provided, single submitter. Criteria: GeneDx Variant Classification Process June 2021. Collection method: clinical testing. Allele origin: germline. Affected: yes.
Comment: Identified in individuals with breast, renal, and other cancers (Peker Eyuboglu et al., 2020; Duzkale et al., 2020); In silico analysis supports that this missense variant has a deleterious effect on protein structure/function; Not observed at significant frequency in large population cohorts (gnomAD); Also known as 3625C>T; This variant is associated with the following publications: (PMID: 32377563, 31851867, 29884841, Duzkale2020[Article])

University of Washington Department of Laboratory Medicine, University of Washington
Classification: Likely benign for Hereditary cancer-predisposing syndrome. Last evaluated: 2023-03-23. Review status: criteria provided, single submitter. Criteria: Dines et al. (Genet Med. 2020). Collection method: curation. Allele origin: germline.
Comment: Missense variant in a coldspot region where missense variants are very unlikely to be pathogenic (PMID:31911673).

BRCA2 exon 11 coldspot. Reclassification based on statistical prior probability.

Laboratorio de Genetica e Diagnostico Molecular, Hospital Israelita Albert Einstein
Classification: Uncertain significance for Breast-ovarian cancer, familial, susceptibility to, 2. Last evaluated: 2022-09-23. Review status: criteria provided, single submitter. Criteria: ACMG Guidelines, 2015. Collection method: clinical testing. Allele origin: germline. Affected: yes. Observed: 1 variant allele.
Comment: ACMG classification criteria: PM2 moderated, BP4 supporting

Literature cited by the submitters: PubMed 31851867 (cited by Quest Diagnostics Nichols Institute San Juan Capistrano); PubMed 31911673 (cited by Quest Diagnostics Nichols Institute San Juan Capistrano).